The following is an entry in ClinVar:

NM_004370.6(COL12A1):c.2383G>A (p.Glu795Lys)

Gene: COL12A1 (collagen type XII alpha 1 chain; minus strand). Cytogenetic location: 6q13.
Variant type: single nucleotide variant.
Coding change: c.2383G>A on transcript NM_004370.6 (MANE Select); coding-DNA position 2383, G replaced by A.
Protein change: p.Glu795Lys; replaces glutamic acid 795 with lysine.
Molecular consequence: missense variant. On other transcripts: intron variant (2).
Genome position (GRCh38, 1-based): chr6:75,177,717, C>T on the plus strand (G>A on the coding strand, the complement: COL12A1 is on the minus strand). VCF-style: chr6-75177717-C-T. GRCh37 (hg19) VCF-style: chr6-75887433-C-T.
Other names: c.2383G>A, p.Glu795Lys (NM_001424113.1, NM_001424114.1, NM_001424115.1); c.73+25003G>A (NM_001424116.1, NM_080645.3); short protein forms E795K.
Identifiers: ClinVar variation 3900393 (VCV003900393.1).

ClinVar aggregate classification (germline): Uncertain significance (1 of 4 stars; one submission).

Submission:

GeneDx
Classification: Uncertain significance. Last evaluated: 2024-11-19. Review status: criteria provided, single submitter. Criteria: GeneDx Variant Classification Process June 2021. Collection method: clinical testing. Allele origin: germline. Affected: yes.
Comment: Not observed at significant frequency in large population cohorts (gnomAD); In silico analysis indicates that this missense variant does not alter protein structure/function; Has not been previously published as pathogenic or benign to our knowledge